The following is an entry in ClinVar:

ClinVar aggregate classification (germline): Pathogenic. Review status: criteria provided, single submitter (1 of 4 stars). 2 submissions from 1 submitter: Pathogenic (1). 1 of the submissions does not count toward it. Last evaluated 2022-07-19.

Conditions:
Encephalopathy, acute, infection-induced (herpes-specific), susceptibility to, 1. Also called: Herpes simplex encephalitis, susceptibility to, 1. Identifiers: Orphanet 1930, MedGen C2750180, MONDO:0024563, OMIM 610551.

Submissions (2):

Labcorp Genetics (formerly Invitae), Labcorp
Classification: Pathogenic. Last evaluated: 2022-07-19. Review status: criteria provided, single submitter. Criteria: Invitae Variant Classification Sherloc (09022015). Collection method: clinical testing. Allele origin: germline.
Comment: A gross deletion of the genomic region encompassing the full coding sequence of the CYP4V2 gene has been identified. Loss-of-function variants in CYP4V2 are known to be pathogenic (PMID: 15042513, 25118264). The boundaries of this event are unknown as they extend beyond the assayed region for this gene and therefore may encompass additional genes. Isolated whole-gene deletions of CYP4V2 have not been reported in the literature. However, larger copy number events that include this gene have been reported (PMID: 25629076). For these reasons, this variant has been classified as Pathogenic.

Labcorp Genetics (formerly Invitae), Labcorp
Classification: Uncertain significance for Encephalopathy, acute, infection-induced (herpes-specific), susceptibility to, 1. Last evaluated: 2022-11-01. Review status: flagged submission. Criteria: Invitae Variant Classification Sherloc (09022015). Collection method: clinical testing. Allele origin: germline. Not counted in ClinVar's aggregate classification.
Comment: A gross deletion of the genomic region encompassing the full coding sequence of the TLR3 gene has been identified. The current clinical and genetic evidence is not sufficient to establish whether loss-of-function variants in TLR3 cause disease. The boundaries of this event are unknown as they extend beyond the assayed region for this gene and therefore may encompass additional genes. This variant has not been reported in the literature in individuals affected with TLR3-related conditions. In summary, the available evidence is currently insufficient to determine the role of this variant in disease. Therefore, it has been classified as a Variant of Uncertain Significance.
ClinVar note: Reason: This record appears to be redundant with a more recent record from the same submitter.
ClinVar note: Notes: SCV002139384 appears to be redundant with SCV003795415.

Literature cited by the submitters: PubMed 15042513; PubMed 25118264; PubMed 25629076.

NC_000004.11:g.(?_186064527)_(187630981_?)del

Genes: ANKRD37 (ankyrin repeat domain 37; plus strand), CCDC110 (coiled-coil domain containing 110; minus strand), CFAP96 (cilia and flagella associated protein 96; plus strand), CFAP97 (cilia and flagella associated protein 97; minus strand), CYP4V2 (cytochrome P450 family 4 subfamily V member 2; plus strand) and 12 more. Cytogenetic location: 4q35.1-35.2.
Variant type: Deletion.
Identifiers: ClinVar variation 1374349 (VCV001374349.6).